The following is an entry in ClinVar:

NM_000059.4(BRCA2):c.6725A>T (p.Asp2242Val)

Gene: BRCA2 (BRCA2 DNA repair associated; plus strand). Cytogenetic location: 13q13.1.
Variant type: single nucleotide variant.
Coding change: c.6725A>T on transcript NM_000059.4 (MANE Select); coding-DNA position 6725, A replaced by T.
Protein change: p.Asp2242Val; replaces aspartic acid 2242 with valine.
Molecular consequence: missense variant. On other transcripts: non-coding transcript variant (1), intron variant (2).
Genome position (GRCh38, 1-based): chr13:32,341,080, A>T. VCF-style: chr13-32341080-A-T. GRCh37 (hg19) VCF-style: chr13-32915217-A-T.
Other names: c.6725A>T, p.Asp2242Val (NM_001406719.1, NM_001406720.1, NM_001432077.1); c.1910-3478A>T (NM_001406721.1); c.425-3478A>T (NM_001406722.1); short protein forms D2242V.
Identifiers: ClinVar variation 4628552 (VCV004628552.2).

ClinVar aggregate classification (germline): Uncertain significance. Review status: criteria provided, multiple submitters, no conflicts (2 of 4 stars). 2 submissions from 2 submitters: Uncertain significance (2). Last evaluated 2025-09-30.

Conditions:
Hereditary breast ovarian cancer syndrome. Also called: BRCA1- and BRCA2-Associated Hereditary Breast and Ovarian Cancer; Hereditary breast and ovarian cancer syndrome; Hereditary breast and ovarian cancer; Breast and ovarian cancer; Hereditary breast and/or ovarian cancer syndrome; Hereditary breast and ovarian cancer syndrome (HBOC). Identifiers: Orphanet 145, MedGen C0677776, MeSH D061325, MONDO:0003582. Disease mechanism: loss of function.
Hereditary cancer-predisposing syndrome. Also called: Neoplastic Syndromes, Hereditary; Tumor predisposition; Hereditary Cancer Syndrome; Hereditary neoplastic syndrome. Identifiers: Orphanet 140162, MedGen C0027672, MeSH D009386, MONDO:0015356.

gnomAD v4.1: 1 of 1,614,010 alleles (0.000062%); highest among the groups gnomAD compares: Non-Finnish European, 0.000085%; no homozygotes.

Submissions (2):

Ambry Genetics
Classification: Uncertain significance for Hereditary cancer-predisposing syndrome. Last evaluated: 2025-09-30. Review status: criteria provided, single submitter. Criteria: Ambry Variant Classification Scheme 2023. Collection method: clinical testing. Allele origin: germline.
Comment: The p.D2242V variant (also known as c.6725A>T), located in coding exon 10 of the BRCA2 gene, results from an A to T substitution at nucleotide position 6725. The aspartic acid at codon 2242 is replaced by valine, an amino acid with highly dissimilar properties. This amino acid position is well conserved in available vertebrate species. In addition, this alteration is predicted to be deleterious by in silico analysis. Based on the available evidence, the clinical significance of this variant remains unclear.

Labcorp Genetics (formerly Invitae), Labcorp
Classification: Uncertain significance for Hereditary breast ovarian cancer syndrome. Last evaluated: 2025-06-08. Review status: criteria provided, single submitter. Criteria: Invitae Variant Classification Sherloc (09022015). Collection method: clinical testing. Allele origin: germline.
Comment: This sequence change replaces aspartic acid, which is acidic and polar, with valine, which is neutral and non-polar, at codon 2242 of the BRCA2 protein (p.Asp2242Val). This variant is not present in population databases (gnomAD no frequency). This missense change has been observed in individual(s) with breast cancer (PMID: 17636422, 27273131). Invitae Evidence Modeling of protein sequence and biophysical properties (such as structural, functional, and spatial information, amino acid conservation, physicochemical variation, residue mobility, and thermodynamic stability) indicates that this missense variant is not expected to disrupt BRCA2 protein function with a negative predictive value of 95%. In summary, the available evidence is currently insufficient to determine the role of this variant in disease. Therefore, it has been classified as a Variant of Uncertain Significance.

Literature cited by the submitters: PubMed 17636422 (cited by Labcorp Genetics (formerly Invitae), Labcorp); PubMed 27273131 (cited by Labcorp Genetics (formerly Invitae), Labcorp).